The following is an entry in ClinVar:

NM_002292.4(LAMB2):c.3764C>G (p.Thr1255Ser)

Gene: LAMB2 (laminin subunit beta 2; minus strand). Cytogenetic location: 3p21.31.
Variant type: single nucleotide variant.
Coding change: c.3764C>G on transcript NM_002292.4 (MANE Select); coding-DNA position 3764, C replaced by G.
Protein change: p.Thr1255Ser; replaces threonine 1255 with serine.
Molecular consequence: missense variant.
Genome position (GRCh38, 1-based): chr3:49,123,761, G>C on the plus strand (C>G on the coding strand, the complement: LAMB2 is on the minus strand). VCF-style: chr3-49123761-G-C. GRCh37 (hg19) VCF-style: chr3-49161194-G-C.
Other names: c.3764C>G (NM_002292.3); short protein forms T1255S.
Identifiers: ClinVar variation 2189778 (VCV002189778.3), dbSNP rs748473844, ClinGen allele CA2393970.

ClinVar aggregate classification (germline): Uncertain significance. Review status: criteria provided, multiple submitters, no conflicts (2 of 4 stars). 2 submissions from 2 submitters: Uncertain significance (2). Last evaluated 2024-05-15.

Conditions:
Pierson syndrome. Also called: MICROCORIA-CONGENITAL NEPHROTIC SYNDROME. Identifiers: Orphanet 2670, MedGen C1836876, MONDO:0012184, OMIM 609049.
LAMB2-related infantile-onset nephrotic syndrome. Also called: NEPHROTIC SYNDROME, TYPE 5, WITHOUT OCULAR ABNORMALITIES; NEPHROTIC SYNDROME, TYPE 5, WITH OCULAR ABNORMALITIES; Nephrotic Syndrome, type 5. Identifiers: Orphanet 306507, MedGen C3280113, MONDO:0013621, OMIM 614199.
Inborn genetic diseases. Identifiers: MedGen C0950123, MeSH D030342.

Allele frequency attached by ClinVar (database versions not stated): gnomAD 0.00001; ExAC 0.00002.
gnomAD v4.1: 12 of 1,613,346 alleles (0.00074%); highest among the groups gnomAD compares: Admixed American, 0.0017%; no homozygotes.

Submissions (2):

Ambry Genetics
Classification: Uncertain significance for Inborn genetic diseases. Last evaluated: 2024-05-15. Review status: criteria provided, single submitter. Criteria: Ambry Variant Classification Scheme 2023. Collection method: clinical testing. Allele origin: germline.

Labcorp Genetics (formerly Invitae), Labcorp
Classification: Uncertain significance for LAMB2-related infantile-onset nephrotic syndrome; Pierson syndrome. Last evaluated: 2022-02-09. Review status: criteria provided, single submitter. Criteria: Invitae Variant Classification Sherloc (09022015). Collection method: clinical testing. Allele origin: germline.
Comment: In summary, the available evidence is currently insufficient to determine the role of this variant in disease. Therefore, it has been classified as a Variant of Uncertain Significance. Algorithms developed to predict the effect of missense changes on protein structure and function (SIFT, PolyPhen-2, Align-GVGD) all suggest that this variant is likely to be tolerated. This variant has not been reported in the literature in individuals affected with LAMB2-related conditions. This sequence change replaces threonine, which is neutral and polar, with serine, which is neutral and polar, at codon 1255 of the LAMB2 protein (p.Thr1255Ser). This variant is present in population databases (rs748473844, gnomAD 0.003%).